The following is an entry in ClinVar:

ClinVar aggregate classification (germline): Pathogenic (1 of 4 stars; one submission).

Conditions:
Hereditary spastic paraplegia 4. Also called: Spastic paraplegia 4, autosomal dominant; Familial spastic paraplegia autosomal dominant 2; Spastic Paraplegia 4. Identifiers: Orphanet 100985, MedGen C1866855, MONDO:0008438, OMIM 182601.

Submission:

Labcorp Genetics (formerly Invitae), Labcorp
Classification: Pathogenic for Hereditary spastic paraplegia 4. Last evaluated: 2020-02-03. Review status: criteria provided, single submitter. Criteria: Invitae Variant Classification Sherloc (09022015). Collection method: clinical testing. Allele origin: unknown.
Comment: For these reasons, this variant has been classified as Pathogenic. Loss-of-function variants in SPAST are known to be pathogenic (PMID: 20932283). This variant has not been reported in the literature in individuals with SPAST-related conditions. This variant is a gross deletion of the genomic region encompassing part of exon 1 (c.-16670_324del) of the SPAST gene, which includes the initiator codon. This is expected to result in an absent or disrupted protein product.

Literature cited by the submitters: PubMed 20932283.

NC_000002.11:g.(?_32272227)_(32289220_?)del

Gene: SPAST (spastin; plus strand). Cytogenetic location: 2p22.3.
Variant type: Deletion.
Identifiers: ClinVar variation 3247328 (VCV003247328.1).